The following is an entry in ClinVar:

NM_001845.6(COL4A1):c.2571G>A (p.Ser857=)

Gene: COL4A1 (collagen type IV alpha 1 chain; minus strand). Cytogenetic location: 13q34.
Variant type: single nucleotide variant.
Coding change: c.2571G>A on transcript NM_001845.6 (MANE Select); coding-DNA position 2571, G replaced by A.
Protein change: p.Ser857=; no amino-acid change (serine 857 retained).
Molecular consequence: synonymous variant.
Genome position (GRCh38, 1-based): chr13:110,178,119, C>T on the plus strand (G>A on the coding strand, the complement: COL4A1 is on the minus strand). VCF-style: chr13-110178119-C-T. GRCh37 (hg19) VCF-style: chr13-110830466-C-T.
Identifiers: ClinVar variation 880785 (VCV000880785.12), dbSNP rs376513801, ClinGen allele CA7047550.
Genomic context (GRCh38, chr13:110,178,119, plus strand): 5'-CTTACCTGGAAACCCAGGAATCCCAGGAGCCCCCTGCTGTCCAGGAAGGCCAGGGAGCCC[C>T]GACTGTCCCGTTATGCCAGGGAGTCCTTGAGCCCCTTTATCTCCTTTAGGGCCCGGCATG-3'
Protein context (NP_001836.3, residues 847-867): AQGLPGITGQ[Ser857=]GLPGLPGQQG

ClinVar aggregate classification (germline): Likely benign. Review status: criteria provided, multiple submitters, no conflicts (2 of 4 stars). 4 submissions from 3 submitters: Likely benign (4). Last evaluated 2025-12-24.

Conditions:
Brain small vessel disease 1 with or without ocular anomalies (BSVD1). Also called: PORENCEPHALY, TYPE 1, AUTOSOMAL DOMINANT; BRAIN SMALL VESSEL DISEASE WITH HEMORRHAGE; Brain small vessel disease with or without ocular anomalies; GOULD SYNDROME 1. Identifiers: Orphanet 2940, Orphanet 36383, Orphanet 99810, MedGen C4755307, MONDO:0008289, OMIM 175780.
Autosomal dominant familial hematuria-retinal arteriolar tortuosity-contractures syndrome. Also called: Angiopathy, hereditary, with nephropathy, aneurysms, and muscle cramps; Hereditary Angiopathy with Nephropathy, Aneurysms, and Muscle Cramps (HANAC) Syndrome. Identifiers: Orphanet 73229, MedGen C2673195, MONDO:0012726, OMIM 611773.

Allele frequency attached by ClinVar (database versions not stated): gnomAD 0.00002; TOPMed 0.00003; gnomAD exomes 0.00004; ExAC 0.00005; ESP Exome Variant Server 0.00008.
gnomAD v4.1: 65 of 1,614,042 alleles (0.004%); highest among the groups gnomAD compares: Non-Finnish European, 0.0047%; no homozygotes.

Submissions (4):

Labcorp Genetics (formerly Invitae), Labcorp
Classification: Likely benign. Last evaluated: 2025-12-24. Review status: criteria provided, single submitter. Criteria: Invitae Variant Classification Sherloc (09022015). Collection method: clinical testing. Allele origin: germline.

Blueprint Genetics
Classification: Likely benign. Last evaluated: 2024-10-21. Review status: criteria provided, single submitter. Criteria: ACMG Guidelines, 2015. Collection method: clinical testing. Allele origin: germline.

Illumina Laboratory Services, Illumina
Classification: Likely benign for Brain small vessel disease 1 with or without ocular anomalies. Last evaluated: 2018-01-13. Review status: criteria provided, single submitter. Criteria: ICSL Variant Classification Criteria 13 December 2019. Collection method: clinical testing. Allele origin: germline.
Comment: This variant was observed in the ICSL laboratory as part of a predisposition screen in an ostensibly healthy population. It had not been previously curated by ICSL or reported in the Human Gene Mutation Database (HGMD: prior to June 1st, 2018), and was therefore a candidate for classification through an automated scoring system. Utilizing variant allele frequency, disease prevalence and penetrance estimates, and inheritance mode, an automated score was calculated to assess if this variant is too frequent to cause the disease. Based on the score and internal cut-off values, a variant classified as likely benign is not then subjected to further curation. The score for this variant resulted in a classification of likely benign for this disease.

Illumina Laboratory Services, Illumina
Classification: Likely benign for Autosomal dominant familial hematuria-retinal arteriolar tortuosity-contractures syndrome. Last evaluated: 2018-01-13. Review status: criteria provided, single submitter. Criteria: ICSL Variant Classification Criteria 13 December 2019. Collection method: clinical testing. Allele origin: germline.
Comment: the same text as in the submission from Illumina Laboratory Services, Illumina above.